The following is an entry in ClinVar:

ClinVar aggregate classification (germline): Uncertain significance (1 of 4 stars; one submission).

Submission:

GeneDx
Classification: Uncertain significance. Last evaluated: 2023-06-01. Review status: criteria provided, single submitter. Criteria: GeneDx Variant Classification Process June 2021. Collection method: clinical testing. Allele origin: germline. Affected: yes.
Comment: Not observed at significant frequency in large population cohorts (gnomAD); In silico analysis supports that this missense variant has a deleterious effect on protein structure/function; Has not been previously published as pathogenic or benign to our knowledge

NM_006445.4(PRPF8):c.3332A>C (p.Gln1111Pro)

Gene: PRPF8 (pre-mRNA processing factor 8; minus strand). Cytogenetic location: 17p13.3.
Variant type: single nucleotide variant.
Coding change: c.3332A>C on transcript NM_006445.4 (MANE Select); coding-DNA position 3332, A replaced by C.
Protein change: p.Gln1111Pro; replaces glutamine 1111 with proline.
Molecular consequence: missense variant.
Genome position (GRCh38, 1-based): chr17:1,673,860, T>G on the plus strand (A>C on the coding strand, the complement: PRPF8 is on the minus strand). VCF-style: chr17-1673860-T-G. GRCh37 (hg19) VCF-style: chr17-1577154-T-G.
Other names: short protein forms Q1111P.
Identifiers: ClinVar variation 3362202 (VCV003362202.1).
Genomic context (GRCh38, chr17:1,673,860, plus strand): 5'-TTGTTATTATAGCCAACGATGTTTTCATTATTGGGGTCAGGGTGCTCTGTCAGGTAACGT[T>G]GAATCAGGTCCCGAGCCTCATCTGCTGTGAACCTACACCAGACCAGGTACACTGCTGAGG-3'
Protein context (NP_006436.3, residues 1101-1121): FTADEARDLI[Gln1111Pro]RYLTEHPDPN